The following is an entry in ClinVar:

NM_001171.6(ABCC6):c.779G>A (p.Arg260His)

Gene: ABCC6 (ATP binding cassette subfamily C member 6; minus strand). Cytogenetic location: 16p13.11.
Variant type: single nucleotide variant.
Coding change: c.779G>A on transcript NM_001171.6 (MANE Select); coding-DNA position 779, G replaced by A.
Protein change: p.Arg260His; replaces arginine 260 with histidine.
Molecular consequence: missense variant. On other transcripts: non-coding transcript variant (1).
Genome position (GRCh38, 1-based): chr16:16,208,743, C>T on the plus strand (G>A on the coding strand, the complement: ABCC6 is on the minus strand). VCF-style: chr16-16208743-C-T. GRCh37 (hg19) VCF-style: chr16-16302600-C-T.
Other names: c.437G>A, p.Arg146His (NM_001351800.1); short protein forms R146H, R260H.
Identifiers: ClinVar variation 2366461 (VCV002366461.4), dbSNP rs755700774, ClinGen allele CA7926571.

ClinVar aggregate classification (germline): Uncertain significance. Review status: criteria provided, multiple submitters, no conflicts (2 of 4 stars). 2 submissions from 2 submitters: Uncertain significance (2). Last evaluated 2026-02-03.

Conditions:
Inborn genetic diseases. Identifiers: MedGen C0950123, MeSH D030342.

Allele frequency attached by ClinVar (database versions not stated): TOPMed 0.00003; ExAC 0.00003.
gnomAD v4.1: 40 of 1,613,516 alleles (0.0025%); highest among the groups gnomAD compares: Admixed American, 0.01%; no homozygotes.

Submissions (2):

Dasa
Classification: Uncertain significance. Last evaluated: 2026-02-03. Review status: criteria provided, single submitter. Criteria: DASA Assertion Criteria. Collection method: clinical testing. Allele origin: germline.
Comment: NM_001171.6(ABCC6):c.779G>A (p.Arg260His) is a missense variant that results in the substitution of arginine with histidine. This variant is rare in population databases. The currently available literature and clinical evidence are not sufficient to establish a definitive association between this variant and the reported condition. Therefore, this variant is classified as a variant of uncertain significance.

Ambry Genetics
Classification: Uncertain significance for Inborn genetic diseases. Last evaluated: 2022-08-12. Review status: criteria provided, single submitter. Criteria: Ambry Variant Classification Scheme 2023. Collection method: clinical testing. Allele origin: germline.